The following is an entry in ClinVar:

NM_001211.6(BUB1B):c.1784G>T (p.Gly595Val)

Gene: BUB1B (BUB1 mitotic checkpoint serine/threonine kinase B; plus strand). Cytogenetic location: 15q15.1.
Variant type: single nucleotide variant.
Coding change: c.1784G>T on transcript NM_001211.6 (MANE Select); coding-DNA position 1784, G replaced by T.
Protein change: p.Gly595Val; replaces glycine 595 with valine.
Molecular consequence: missense variant.
Genome position (GRCh38, 1-based): chr15:40,206,233, G>T. VCF-style: chr15-40206233-G-T. GRCh37 (hg19) VCF-style: chr15-40498434-G-T.
Other names: short protein forms G595V.
Identifiers: ClinVar variation 1780063 (VCV001780063.3), dbSNP rs2037634640, ClinGen allele CA391692352.

ClinVar aggregate classification (germline): Uncertain significance. Review status: criteria provided, multiple submitters, no conflicts (2 of 4 stars). 2 submissions from 2 submitters: Uncertain significance (2). Last evaluated 2024-06-14.

Conditions:
Colorectal cancer. Also called: Colorectal cancer, somatic; Malignant Colorectal Neoplasm. Identifiers: MedGen C0346629, MONDO:0005575, OMIM 114500.
Mosaic variegated aneuploidy syndrome 1 (MVA1). Also called: Warburton-Anyane-Yeboa syndrome. Identifiers: Orphanet 1052, MedGen C1850343, MONDO:0009759, OMIM 257300.
Premature chromatid separation trait (PCS). Also called: TOTAL PREMATURE CHROMATID SEPARATION TRAIT. Identifiers: MedGen C1864389, MONDO:0008304, OMIM 176430.
Inborn genetic diseases. Identifiers: MedGen C0950123, MeSH D030342.

Allele frequency attached by ClinVar (database versions not stated): TOPMed below 0.00001.

Submissions (2):

Fulgent Genetics
Classification: Uncertain significance for Colorectal cancer; Premature chromatid separation trait; Mosaic variegated aneuploidy syndrome 1. Last evaluated: 2024-06-14. Review status: criteria provided, single submitter. Criteria: ACMG Guidelines, 2015. Collection method: clinical testing. Allele origin: germline.

Ambry Genetics
Classification: Uncertain significance for Inborn genetic diseases. Last evaluated: 2022-07-07. Review status: criteria provided, single submitter. Criteria: Ambry Variant Classification Scheme 2023. Collection method: clinical testing. Allele origin: germline.
Comment: The p.G595V variant (also known as c.1784G>T), located in coding exon 15 of the BUB1B gene, results from a G to T substitution at nucleotide position 1784. The glycine at codon 595 is replaced by valine, an amino acid with dissimilar properties. This amino acid position is conserved. In addition, the in silico prediction for this alteration is inconclusive. Since supporting evidence is limited at this time, the clinical significance of this alteration remains unclear.